The following is an entry in ClinVar:

NM_001321120.2(TBX4):c.1021+1G>A

Gene: TBX4 (T-box transcription factor 4; plus strand). Cytogenetic location: 17q23.2.
Variant type: single nucleotide variant.
Coding change: c.1021+1G>A on transcript NM_001321120.2 (MANE Select); the canonical splice donor site of the intron after coding-DNA position 1021, G replaced by A.
Molecular consequence: splice donor variant.
Genome position (GRCh38, 1-based): chr17:61,480,320, G>A. VCF-style: chr17-61480320-G-A. GRCh37 (hg19) VCF-style: chr17-59557681-G-A.
Other names: c.1021+1G>A (NM_018488.3).
Identifiers: ClinVar variation 1327321 (VCV001327321.11), dbSNP rs1428934331, ClinGen allele CA400474809.
Genomic context (GRCh38, chr17:61,480,320, plus strand): 5'-TCAGCACCTTTCCCACCCAGAGGGACTCAAGCCTCTTCTATCACTGCCTGAAAAGACGAG[G>A]TAGGGCTCTCCTGGTCTAGAAGCCCTAGAGGGTAAGAGGAGCGGTGAGGTTCTCCCCGAA-3'

ClinVar aggregate classification (germline): Pathogenic/Likely pathogenic. Review status: criteria provided, multiple submitters, no conflicts (2 of 4 stars). 3 submissions from 3 submitters: Pathogenic (2); Likely pathogenic (1). Last evaluated 2023-10-03.

Conditions:
Coxopodopatellar syndrome. Also called: SCOTT-TAOR SYNDROME; Small patella syndrome; ISCHIOPATELLAR DYSPLASIA; PATELLA APLASIA, COXA VARA, AND TARSAL SYNOSTOSIS; ISCHIOCOXOPODOPATELLAR SYNDROME; ISCHIOCOXOPODOPATELLAR SYNDROME WITH OR WITHOUT PULMONARY ARTERIAL HYPERTENSION. Identifiers: Orphanet 1509, MedGen C1840061, MONDO:0007841, OMIM 147891.
Pulmonary hypertension, primary, 1 (PPH1). Also called: Pulmonary hypertension, familial primary, 1, with or without HHT. Identifiers: Orphanet 422, MedGen C4552070, MONDO:0024533, OMIM 178600.

Allele frequency attached by ClinVar (database versions not stated): gnomAD exomes below 0.00001.
gnomAD v4.1: 1 of 1,612,768 alleles (0.000062%); highest among the groups gnomAD compares: Non-Finnish European, 0.000085%; no homozygotes.

Submissions (3):

Labcorp Genetics (formerly Invitae), Labcorp
Classification: Pathogenic. Last evaluated: 2023-10-03. Review status: criteria provided, single submitter. Criteria: Invitae Variant Classification Sherloc (09022015). Collection method: clinical testing. Allele origin: germline.
Comment: This sequence change affects a donor splice site in intron 7 of the TBX4 gene. While this variant is not anticipated to result in nonsense mediated decay, it likely alters RNA splicing and results in a disrupted protein product. This variant is not present in population databases (gnomAD no frequency). Disruption of this splice site has been observed in individuals with pulmonary arterial hypertension (PMID: 31727138, 32348326, 34557690; Invitae). ClinVar contains an entry for this variant (Variation ID: 1327321). Variants that disrupt the consensus splice site are a relatively common cause of aberrant splicing (PMID: 17576681, 9536098). Algorithms developed to predict the effect of sequence changes on RNA splicing suggest that this variant may disrupt the consensus splice site. This variant disrupts a region of the TBX4 protein in which other variant(s) (p.Gln531Arg) have been determined to be pathogenic (PMID: 15106123). This suggests that this is a clinically significant region of the protein, and that variants that disrupt it are likely to be disease-causing. For these reasons, this variant has been classified as Pathogenic.

GeneDx
Classification: Pathogenic. Last evaluated: 2021-11-18. Review status: criteria provided, single submitter. Criteria: GeneDx Variant Classification Process June 2021. Collection method: clinical testing. Allele origin: germline. Affected: yes.
Comment: Canonical splice site variant in a gene for which loss-of-function is a known mechanism of disease; This variant is associated with the following publications: (PMID: 31727138, 32348326, 34557690)

Wendy Chung Laboratory, Boston Children's Hospital
Classification: Likely pathogenic for Pulmonary hypertension, primary, 1; Coxopodopatellar syndrome. Last evaluated: 2020-01-01. Review status: criteria provided, single submitter. Criteria: ACMG Guidelines, 2015. Collection method: research, literature only. Allele origin: germline. Inheritance: Autosomal dominant inheritance. Affected: yes. Observed: 3 heterozygotes. Clinical features observed: pulmonary arterial hypertension, small patella.

Literature cited by the submitters: PubMed 31727138 (cited by Labcorp Genetics (formerly Invitae), Labcorp and Wendy Chung Laboratory, Boston Children's Hospital); PubMed 32348326 (cited by Labcorp Genetics (formerly Invitae), Labcorp and Wendy Chung Laboratory, Boston Children's Hospital); PubMed 34557690 (cited by Labcorp Genetics (formerly Invitae), Labcorp and Wendy Chung Laboratory, Boston Children's Hospital); PubMed 17576681 (cited by Labcorp Genetics (formerly Invitae), Labcorp); PubMed 9536098 (cited by Labcorp Genetics (formerly Invitae), Labcorp); PubMed 15106123 (cited by Labcorp Genetics (formerly Invitae), Labcorp).